The following is an entry in ClinVar:

NM_000384.3(APOB):c.2058C>A (p.Asp686Glu)

Gene: APOB (apolipoprotein B; minus strand). Cytogenetic location: 2p24.1.
Variant type: single nucleotide variant.
Coding change: c.2058C>A on transcript NM_000384.3 (MANE Select); coding-DNA position 2058, C replaced by A.
Protein change: p.Asp686Glu; replaces aspartic acid 686 with glutamic acid.
Molecular consequence: missense variant.
Genome position (GRCh38, 1-based): chr2:21,027,837, G>T on the plus strand (C>A on the coding strand, the complement: APOB is on the minus strand). VCF-style: chr2-21027837-G-T. GRCh37 (hg19) VCF-style: chr2-21250709-G-T.
Other names: short protein forms D686E.
Identifiers: ClinVar variation 4755790 (VCV004755790.1).

ClinVar aggregate classification (germline): Uncertain significance (1 of 4 stars; one submission).

Submission:

GeneDx
Classification: Uncertain significance. Last evaluated: 2025-08-05. Review status: criteria provided, single submitter. Criteria: GeneDx Variant Classification Process June 2021. Collection method: clinical testing. Allele origin: germline. Affected: yes.
Comment: Not observed at significant frequency in large population cohorts (gnomAD); In silico analysis supports that this missense variant has a deleterious effect on protein structure/function; Has not been previously published as pathogenic or benign to our knowledge